The following is an entry in ClinVar:

NM_001329943.3(KIAA0586):c.2255-1G>C

Gene: KIAA0586 (KIAA0586; plus strand). Cytogenetic location: 14q23.1.
Variant type: single nucleotide variant.
Coding change: c.2255-1G>C on transcript NM_001329943.3 (MANE Select); the canonical splice acceptor site of the intron before coding-DNA position 2255, G replaced by C.
Molecular consequence: splice acceptor variant.
Genome position (GRCh38, 1-based): chr14:58,467,734, G>C. VCF-style: chr14-58467734-G-C. GRCh37 (hg19) VCF-style: chr14-58934452-G-C.
Other names: c.2414-1G>C (NM_001244189.2); c.2210-1G>C (NM_001244190.2); c.2123-1G>C (NM_001244192.2); c.2000-1G>C (NM_001244191.2, NM_001364701.2, NM_001329945.2 and 1 more transcripts); c.2255-1G>C (NM_001329944.2, NM_001329946.2, NM_001329947.2); c.2027-1G>C (NM_014749.5); c.1835-1G>C (NM_001244193.2).
Identifiers: ClinVar variation 984710 (VCV000984710.2), dbSNP rs2040876556, ClinGen allele CA389874907.

ClinVar aggregate classification (germline): Pathogenic. Review status: criteria provided, multiple submitters, no conflicts (2 of 4 stars). 2 submissions from 2 submitters: Pathogenic (2). Last evaluated 2022-07-01.

Conditions:
Joubert syndrome 23 (JBTS23). Identifiers: Orphanet 475, MedGen C4084822, MONDO:0014664, OMIM 616490.

Submissions (2):

GeneDx
Classification: Pathogenic. Last evaluated: 2022-07-01. Review status: criteria provided, single submitter. Criteria: GeneDx Variant Classification Process June 2021. Collection method: clinical testing. Allele origin: germline. Affected: yes.
Comment: Canonical splice site variant predicted to result in a null allele in a gene for which loss of function is a known mechanism of disease; Not observed at significant frequency in large population cohorts (gnomAD); This variant is associated with the following publications: (PMID: 26386247, 26026149)

Institute of Human Genetics, University of Leipzig Medical Center
Classification: Pathogenic for Joubert syndrome 23. Last evaluated: 2020-03-01. Review status: criteria provided, single submitter. Criteria: ACMG Guidelines, 2015. Collection method: clinical testing. Allele origin: biparental. Inheritance: Autosomal recessive inheritance. Affected: yes.
Comment: Review of the variants reported in Reuter et al., 2017, PMID: 28097321: PVS1,PM2,PM3